The following is an entry in ClinVar:

ClinVar aggregate classification (germline): Uncertain significance (1 of 4 stars; one submission).

Submission:

Labcorp Genetics (formerly Invitae), Labcorp
Classification: Uncertain significance. Last evaluated: 2023-12-09. Review status: criteria provided, single submitter. Criteria: Invitae Variant Classification Sherloc (09022015). Collection method: clinical testing. Allele origin: germline.
Comment: This sequence change replaces histidine, which is basic and polar, with proline, which is neutral and non-polar, at codon 476 of the HK1 protein (p.His476Pro). This variant is present in population databases (no rsID available, gnomAD 0.0009%). This variant has not been reported in the literature in individuals affected with HK1-related conditions. Advanced modeling of protein sequence and biophysical properties (such as structural, functional, and spatial information, amino acid conservation, physicochemical variation, residue mobility, and thermodynamic stability) performed at Invitae indicates that this missense variant is not expected to disrupt HK1 protein function with a negative predictive value of 80%. In summary, the available evidence is currently insufficient to determine the role of this variant in disease. Therefore, it has been classified as a Variant of Uncertain Significance.

NM_000188.3(HK1):c.1427A>C (p.His476Pro)

Gene: HK1 (hexokinase 1; plus strand). Cytogenetic location: 10q22.1.
Variant type: single nucleotide variant.
Coding change: c.1427A>C on transcript NM_000188.3 (MANE Select); coding-DNA position 1427, A replaced by C.
Protein change: p.His476Pro; replaces histidine 476 with proline.
Molecular consequence: missense variant.
Genome position (GRCh38, 1-based): chr10:69,382,648, A>C. VCF-style: chr10-69382648-A-C. GRCh37 (hg19) VCF-style: chr10-71142404-A-C.
Other names: c.1439A>C, p.His480Pro (NM_001322364.2, NM_001358263.1, NM_033497.3 and 1 more transcripts); c.1532A>C, p.His511Pro (NM_001322365.2); c.1343A>C, p.His448Pro (NM_001322366.1); c.1331A>C, p.His444Pro (NM_001322367.1); c.1424A>C, p.His475Pro (NM_033496.3); c.1391A>C, p.His464Pro (NM_033500.2); short protein forms H475P, H476P, H444P, H464P, H448P, H480P, H511P.
Identifiers: ClinVar variation 2701791 (VCV002701791.3), dbSNP rs1313177176, ClinGen allele CA376909901.